The following is an entry in ClinVar:

ClinVar aggregate classification (germline): Uncertain significance. Review status: criteria provided, multiple submitters, no conflicts (2 of 4 stars). 2 submissions from 2 submitters: Uncertain significance (2). Last evaluated 2026-01-12.

Conditions:
Brugada syndrome 4 (BRGDA4). Identifiers: Orphanet 130, MedGen C2678477, MONDO:0012743, OMIM 611876.
Cardiovascular phenotype. Identifiers: MedGen CN230736.

Allele frequency attached by ClinVar (database versions not stated): ExAC 0.00001; gnomAD 0.00001; gnomAD exomes 0.00001 and below 0.00001; TOPMed 0.00001.
gnomAD v4.1: 16 of 1,613,888 alleles (0.00099%); highest among the groups gnomAD compares: Non-Finnish European, 0.0014%; no homozygotes.

Submissions (2):

Ambry Genetics
Classification: Uncertain significance for Cardiovascular phenotype. Last evaluated: 2026-01-12. Review status: criteria provided, single submitter. Criteria: Ambry Variant Classification Scheme 2023. Collection method: clinical testing. Allele origin: germline.
Comment: The p.H536N variant (also known as c.1606C>A), located in coding exon 13 of the CACNB2 gene, results from a C to A substitution at nucleotide position 1606. The histidine at codon 536 is replaced by asparagine, an amino acid with similar properties. This amino acid position is conserved. In addition, the in silico prediction for this alteration is inconclusive. Based on the available evidence, the clinical significance of this variant remains unclear.

Labcorp Genetics (formerly Invitae), Labcorp
Classification: Uncertain significance for Brugada syndrome 4. Last evaluated: 2025-06-22. Review status: criteria provided, single submitter. Criteria: Invitae Variant Classification Sherloc (09022015). Collection method: clinical testing. Allele origin: germline.
Comment: This sequence change replaces histidine, which is basic and polar, with asparagine, which is neutral and polar, at codon 536 of the CACNB2 protein (p.His536Asn). This variant is present in population databases (rs776532519, gnomAD 0.002%). This variant has not been reported in the literature in individuals affected with CACNB2-related conditions. ClinVar contains an entry for this variant (Variation ID: 1419126). Invitae Evidence Modeling of protein sequence and biophysical properties (such as structural, functional, and spatial information, amino acid conservation, physicochemical variation, residue mobility, and thermodynamic stability) indicates that this missense variant is not expected to disrupt CACNB2 protein function with a negative predictive value of 80%. In summary, the available evidence is currently insufficient to determine the role of this variant in disease. Therefore, it has been classified as a Variant of Uncertain Significance.

NM_201596.3(CACNB2):c.1768C>A (p.His590Asn)

Gene: CACNB2 (calcium voltage-gated channel auxiliary subunit beta 2; plus strand). Cytogenetic location: 10p12.31.
Variant type: single nucleotide variant.
Coding change: c.1768C>A on transcript NM_201596.3 (MANE Select); coding-DNA position 1768, C replaced by A.
Protein change: p.His590Asn; replaces histidine 590 with asparagine.
Molecular consequence: missense variant.
Genome position (GRCh38, 1-based): chr10:18,539,509, C>A. VCF-style: chr10-18539509-C-A. GRCh37 (hg19) VCF-style: chr10-18828438-C-A.
Other names: c.1603C>A, p.His535Asn (NM_000724.4); c.1570C>A, p.His524Asn (NM_001167945.2); c.1489C>A, p.His497Asn (NM_001330060.2); c.1624C>A, p.His542Asn (NM_201570.3); c.1684C>A, p.His562Asn (NM_201571.4); c.1612C>A, p.His538Asn (NM_201572.4); c.1606C>A, p.His536Asn (NM_201590.3); c.1654C>A, p.His552Asn (NM_201593.3); and 2 more; short protein forms H535N, H538N, H566N, H497N, H536N, H552N, H524N, H542N.
Identifiers: ClinVar variation 1419126 (VCV001419126.7), dbSNP rs776532519, ClinGen allele CA5430163.